The following is an entry in ClinVar:

NM_013382.7(POMT2):c.1712dup (p.Ile572fs)

Gene: POMT2 (protein O-mannosyltransferase 2; minus strand). Cytogenetic location: 14q24.3.
Variant type: Duplication.
Coding change: c.1712dup on transcript NM_013382.7 (MANE Select); coding-DNA position 1712, one base duplicated (C; older notation c.1712dupC).
Protein change: p.Ile572fs; shifts the reading frame from isoleucine 572.
Molecular consequence: frameshift variant.
Genome position (GRCh38, 1-based): chr14:77,280,405, G duplicated on the plus strand (C on the coding strand, the reverse complement: POMT2 is on the minus strand); the first of 2 consecutive G bases (chr14:77,280,405-77,280,406); duplicating either gives the same sequence. VCF-style (leftmost placement, unchanged base first): chr14-77280404-A-AG. GRCh37 (hg19) VCF-style: chr14-77746747-A-AG.
Other names: short protein forms I572fs.
Identifiers: ClinVar variation 817839 (VCV000817839.8), dbSNP rs780725241, ClinGen allele CA7285753.

ClinVar aggregate classification (germline): Pathogenic/Likely pathogenic. Review status: criteria provided, multiple submitters, no conflicts (2 of 4 stars). 5 submissions from 5 submitters: Pathogenic (2); Likely pathogenic (3). Last evaluated 2025-03-24.

Conditions:
Muscular dystrophy-dystroglycanopathy (congenital with brain and eye anomalies), type A2. Also called: MUSCULAR DYSTROPHY-DYSTROGLYCANOPATHY (CONGENITAL WITH BRAIN AND EYE ANOMALIES), TYPE A, 2; WALKER-WARBURG SYNDROME OR MUSCLE-EYE-BRAIN DISEASE, POMT2-RELATED. Identifiers: Orphanet 588, Orphanet 899, MedGen C3150411, MONDO:0013154, OMIM 613150.
Muscular dystrophy-dystroglycanopathy (congenital with impaired intellectual development), type B, 2. Also called: MUSCULAR DYSTROPHY, CONGENITAL, POMT2-RELATED; Muscular dystrophy-dystroglycanopathy (congenital with intellectual disability), type B2. Identifiers: MedGen C3150416, MONDO:0013160, OMIM 613156.
Autosomal recessive limb-girdle muscular dystrophy type 2N. Also called: MUSCULAR DYSTROPHY-DYSTROGLYCANOPATHY, LIMB-GIRDLE, POMT2-RELATED; Muscular dystrophy-dystroglycanopathy (limb-girdle), type C, 2. Identifiers: Orphanet 206559, MedGen C3150418, MONDO:0013162, OMIM 613158.
Inborn genetic diseases. Identifiers: MedGen C0950123, MeSH D030342.
POMT2-related disorder. Also called: POMT2-related condition.

Submissions (5):

Labcorp Genetics (formerly Invitae), Labcorp
Classification: Pathogenic for Muscular dystrophy-dystroglycanopathy (congenital with impaired intellectual development), type B, 2; Muscular dystrophy-dystroglycanopathy (congenital with brain and eye anomalies), type A2; Autosomal recessive limb-girdle muscular dystrophy type 2N. Last evaluated: 2025-03-24. Review status: criteria provided, single submitter. Criteria: Invitae Variant Classification Sherloc (09022015). Collection method: clinical testing. Allele origin: germline.
Comment: This sequence change creates a premature translational stop signal (p.Ile572Tyrfs*13) in the POMT2 gene. It is expected to result in an absent or disrupted protein product. Loss-of-function variants in POMT2 are known to be pathogenic (PMID: 15894594). This variant is present in population databases (rs780725241, gnomAD 0.0009%). This variant has not been reported in the literature in individuals affected with POMT2-related conditions. ClinVar contains an entry for this variant (Variation ID: 817839). For these reasons, this variant has been classified as Pathogenic.

Baylor Genetics
Classification: Likely pathogenic for Muscular dystrophy-dystroglycanopathy (congenital with brain and eye anomalies), type A2. Last evaluated: 2023-10-01. Review status: criteria provided, single submitter. Criteria: ACMG Guidelines, 2015. Collection method: clinical testing. Allele origin: unknown.

PreventionGenetics, part of Exact Sciences
Classification: Likely pathogenic for POMT2-related condition. Last evaluated: 2022-08-18. Review status: criteria provided, single submitter. Criteria: ACMG Guidelines, 2015. Collection method: clinical testing. Allele origin: germline.
Comment: The POMT2 c.1712dupC variant is predicted to result in a frameshift and premature protein termination (p.Ile572Tyrfs*13). To our knowledge, this variant has not been reported in the literature or in a large population database, indicating this variant is rare. Frameshift variants in POMT2 are expected to be pathogenic. This variant is interpreted as likely pathogenic.

Ambry Genetics
Classification: Pathogenic for Inborn genetic diseases. Last evaluated: 2021-06-18. Review status: criteria provided, single submitter. Criteria: Ambry Variant Classification Scheme 2023. Collection method: clinical testing. Allele origin: germline.
Comment: The c.1712dupC (p.I572Yfs*13) alteration, located in exon 16 (coding exon 16) of the POMT2 gene, consists of a duplication of C at position 1712, causing a translational frameshift with a predicted alternate stop codon after 13 amino acids. This alteration is expected to result in loss of function by premature protein truncation or nonsense-mediated mRNA decay. Based on data from the Genome Aggregation Database (gnomAD) database, the POMT2 c.1712dupC alteration was observed in <0.01% (1/251468) of total alleles studied. Based on the available evidence, this alteration is classified as pathogenic.

GeneDx
Classification: Likely pathogenic. Last evaluated: 2018-09-26. Review status: criteria provided, single submitter. Criteria: GeneDx Variant Classification (06012015). Collection method: clinical testing. Allele origin: germline. Affected: yes.
Comment: The c.1712dupC variant in the POMT2 gene has not been reported previously as a pathogenic variant nor as a benign variant, to our knowledge. The 1712dupC variant causes a frameshift starting with codon Isoleucine 572, changes this amino acid to a Tyrosine residue, and creates a premature Stop codon at position 13 of the new reading frame, denoted p.Ile572TyrfsX13. This variant is predicted to cause loss of normal protein function either through protein truncation or nonsense-mediated mRNA decay. The 1712dupC variant is observed in 1/246254 (0.0004%) alleles in large population cohorts (Lek et al., 2016). We interpret 1712dupC as a likely pathogenic variant.

Literature cited by the submitters: PubMed 15894594 (cited by Labcorp Genetics (formerly Invitae), Labcorp).